The following is an entry in ClinVar:

NM_001110556.2(FLNA):c.1111G>C (p.Glu371Gln)

Gene: FLNA (filamin A; minus strand). Cytogenetic location: Xq28.
Variant type: single nucleotide variant.
Coding change: c.1111G>C on transcript NM_001110556.2 (MANE Select); coding-DNA position 1111, G replaced by C.
Protein change: p.Glu371Gln; replaces glutamic acid 371 with glutamine.
Molecular consequence: missense variant.
Genome position (GRCh38, 1-based): chrX:154,366,425, C>G on the plus strand (G>C on the coding strand, the complement: FLNA is on the minus strand). VCF-style: chrX-154366425-C-G. GRCh37 (hg19) VCF-style: chrX-153594793-C-G.
Other names: c.1111G>C, p.Glu371Gln (NM_001456.4); c.1111G>C (NM_001456.3); short protein forms E371Q.
Identifiers: ClinVar variation 1465858 (VCV001465858.7), dbSNP rs1557179279, ClinGen allele CA415246626.

ClinVar aggregate classification (germline): Uncertain significance. Review status: criteria provided, multiple submitters, no conflicts (2 of 4 stars). 2 submissions from 2 submitters: Uncertain significance (2). Last evaluated 2026-05-12.

Conditions:
Familial thoracic aortic aneurysm and aortic dissection (TAAD). Also called: Thoracic aortic aneurysms and dissections. Identifiers: Orphanet 91387, MedGen C4707243, MONDO:0019625.
Oto-palato-digital syndrome, type II (OPD2). Also called: FACIOPALATOOSSEOUS SYNDROME; OPD II SYNDROME; Otopalatodigital Syndrome Type 2 (FLNA-OPD2); Otopalatodigital Syndrome, Type II. Identifiers: Orphanet 669, Orphanet 90652, MedGen C1844696, MONDO:0010571, OMIM 304120.
Frontometaphyseal dysplasia (FMD1). Identifiers: Orphanet 1826, MedGen C0265293, MONDO:0015942.
Melnick-Needles syndrome (MNS). Also called: MELNICK-NEEDLES OSTEODYSPLASTY; OSTEODYSPLASTY OF MELNICK AND NEEDLES; Melnick-Needles Syndrome (FLNA-MNS). Identifiers: Orphanet 2484, MedGen C0025237, MONDO:0010650, OMIM 309350.
Heterotopia, periventricular, X-linked dominant (PVNH1). Also called: PERIVENTRICULAR NODULAR HETEROTOPIA 4; HETEROTOPIA, PERIVENTRICULAR, 1; PERIVENTRICULAR NODULAR HETEROTOPIA 1; X-linked periventricular heterotopia. Identifiers: Orphanet 2149, Orphanet 82004, MedGen C1848213, MONDO:0010233, OMIM 300049.

Submissions (2):

Ambry Genetics
Classification: Uncertain significance for Familial thoracic aortic aneurysm and aortic dissection. Last evaluated: 2026-05-12. Review status: criteria provided, single submitter. Criteria: Ambry Variant Classification Scheme 2023. Collection method: clinical testing. Allele origin: germline.
Comment: The p.E371Q variant (also known as c.1111G>C), located in coding exon 7 of the FLNA gene, results from a G to C substitution at nucleotide position 1111. The glutamic acid at codon 371 is replaced by glutamine, an amino acid with highly similar properties. This amino acid position is well conserved in available vertebrate species. In addition, the in silico prediction for this alteration is inconclusive. Based on the available evidence, the clinical significance of this variant remains unclear.

Labcorp Genetics (formerly Invitae), Labcorp
Classification: Uncertain significance for Oto-palato-digital syndrome, type II; Heterotopia, periventricular, X-linked dominant; Frontometaphyseal dysplasia; Melnick-Needles syndrome. Last evaluated: 2021-12-13. Review status: criteria provided, single submitter. Criteria: Invitae Variant Classification Sherloc (09022015). Collection method: clinical testing. Allele origin: germline.
Comment: In summary, the available evidence is currently insufficient to determine the role of this variant in disease. Therefore, it has been classified as a Variant of Uncertain Significance. Advanced modeling of protein sequence and biophysical properties (such as structural, functional, and spatial information, amino acid conservation, physicochemical variation, residue mobility, and thermodynamic stability) performed at Invitae indicates that this missense variant is not expected to disrupt FLNA protein function. This variant has not been reported in the literature in individuals affected with FLNA-related conditions. This variant is not present in population databases (gnomAD no frequency). This sequence change replaces glutamic acid, which is acidic and polar, with glutamine, which is neutral and polar, at codon 371 of the FLNA protein (p.Glu371Gln).